The following is an entry in ClinVar:

NM_001042545.2(LTBP4):c.2248C>T (p.Gln750Ter)

Gene: LTBP4 (latent transforming growth factor beta binding protein 4; plus strand). Cytogenetic location: 19q13.2.
Variant type: single nucleotide variant.
Coding change: c.2248C>T on transcript NM_001042545.2 (MANE Select); coding-DNA position 2248, C replaced by T.
Protein change: p.Gln750Ter; replaces glutamine 750 with a stop codon.
Molecular consequence: nonsense.
Genome position (GRCh38, 1-based): chr19:40,612,141, C>T. VCF-style: chr19-40612141-C-T. GRCh37 (hg19) VCF-style: chr19-41118047-C-T.
Other names: c.2449C>T, p.Gln817Ter (NM_001042544.1); c.2338C>T, p.Gln780Ter (NM_003573.2); short protein forms Q817*, Q780*, Q750*.
Identifiers: ClinVar variation 4720225 (VCV004720225.1).

ClinVar aggregate classification (germline): Pathogenic (1 of 4 stars; one submission).

Submission:

Labcorp Genetics (formerly Invitae), Labcorp
Classification: Pathogenic. Last evaluated: 2025-05-25. Review status: criteria provided, single submitter. Criteria: Invitae Variant Classification Sherloc (09022015). Collection method: clinical testing. Allele origin: germline.
Comment: This sequence change creates a premature translational stop signal (p.Gln780*) in the LTBP4 gene. It is expected to result in an absent or disrupted protein product. Loss-of-function variants in LTBP4 are known to be pathogenic (PMID: 19836010, 22829427). This variant is not present in population databases (gnomAD no frequency). This variant has not been reported in the literature in individuals affected with LTBP4-related conditions. For these reasons, this variant has been classified as Pathogenic.

Literature cited by the submitters: PubMed 19836010; PubMed 22829427.